The following is an entry in ClinVar:

NM_018051.5(DYNC2I1):c.2540G>A (p.Gly847Asp)

Gene: DYNC2I1 (dynein 2 intermediate chain 1; plus strand). Cytogenetic location: 7q36.3.
Variant type: single nucleotide variant.
Coding change: c.2540G>A on transcript NM_018051.5 (MANE Select); coding-DNA position 2540, G replaced by A.
Protein change: p.Gly847Asp; replaces glycine 847 with aspartic acid.
Molecular consequence: missense variant.
Genome position (GRCh38, 1-based): chr7:158,930,509, G>A. VCF-style: chr7-158930509-G-A. GRCh37 (hg19) VCF-style: chr7-158723200-G-A.
Other names: c.2402G>A, p.Gly801Asp (NM_001350914.2); c.1967G>A, p.Gly656Asp (NM_001350915.2); c.1079G>A, p.Gly360Asp (NM_001350916.2); c.1292G>A, p.Gly431Asp (NM_001350917.2, NM_001350918.2); c.2540G>A (NM_018051.4); short protein forms G360D, G431D, G656D, G801D, G847D.
Identifiers: ClinVar variation 1058388 (VCV001058388.7), dbSNP rs372734939, ClinGen allele CA4595038.

ClinVar aggregate classification (germline): Uncertain significance. Review status: criteria provided, multiple submitters, no conflicts (2 of 4 stars). 2 submissions from 2 submitters: Uncertain significance (2). Last evaluated 2022-05-31.

Conditions:
Inborn genetic diseases. Identifiers: MedGen C0950123, MeSH D030342.
Short-rib thoracic dysplasia 8 with or without polydactyly (SRTD8). Also called: SHORT-RIB THORACIC DYSPLASIA 8 WITH POLYDACTYLY. Identifiers: Orphanet 93271, MedGen C3809691, MONDO:0014214, OMIM 615503.

Allele frequency attached by ClinVar (database versions not stated): TOPMed 0.00008; gnomAD 0.00013 and 0.00014; gnomAD exomes 0.00013 and 0.00019; ESP Exome Variant Server 0.00024; ExAC 0.00030.
gnomAD v4.1: 217 of 1,612,556 alleles (0.013%); highest among the groups gnomAD compares: Non-Finnish European, 0.015%; no homozygotes.

Submissions (2):

Labcorp Genetics (formerly Invitae), Labcorp
Classification: Uncertain significance for Short-rib thoracic dysplasia 8 with or without polydactyly. Last evaluated: 2022-05-31. Review status: criteria provided, single submitter. Criteria: Invitae Variant Classification Sherloc (09022015). Collection method: clinical testing. Allele origin: germline.
Comment: This sequence change replaces glycine, which is neutral and non-polar, with aspartic acid, which is acidic and polar, at codon 847 of the WDR60 protein (p.Gly847Asp). This variant is present in population databases (rs372734939, gnomAD 0.05%). This variant has not been reported in the literature in individuals affected with WDR60-related conditions. ClinVar contains an entry for this variant (Variation ID: 1058388). Algorithms developed to predict the effect of missense changes on protein structure and function output the following: SIFT: "Tolerated"; PolyPhen-2: "Benign"; Align-GVGD: "Class C0". The aspartic acid amino acid residue is found in multiple mammalian species, which suggests that this missense change does not adversely affect protein function. In summary, the available evidence is currently insufficient to determine the role of this variant in disease. Therefore, it has been classified as a Variant of Uncertain Significance.

Ambry Genetics
Classification: Uncertain significance for Inborn genetic diseases. Last evaluated: 2021-08-23. Review status: criteria provided, single submitter. Criteria: Ambry Variant Classification Scheme 2023. Collection method: clinical testing. Allele origin: germline.